The following is an entry in ClinVar:

NM_001378454.1(ALMS1):c.9397C>G (p.Pro3133Ala)

Gene: ALMS1 (ALMS1 centrosome and basal body associated protein; plus strand). Cytogenetic location: 2p13.1.
Variant type: single nucleotide variant.
Coding change: c.9397C>G on transcript NM_001378454.1 (MANE Select); coding-DNA position 9397, C replaced by G.
Protein change: p.Pro3133Ala; replaces proline 3133 with alanine.
Molecular consequence: missense variant.
Genome position (GRCh38, 1-based): chr2:73,491,356, C>G. VCF-style: chr2-73491356-C-G. GRCh37 (hg19) VCF-style: chr2-73718483-C-G.
Other names: c.9400C>G, p.Pro3134Ala (NM_015120.4); short protein forms P3133A, P3134A.
Identifiers: ClinVar variation 1442064 (VCV001442064.12), dbSNP rs45493191, ClinGen allele CA50380488.

ClinVar aggregate classification (germline): Conflicting classifications of pathogenicity. Review status: criteria provided, conflicting classifications (1 of 4 stars). 5 submissions from 5 submitters: Uncertain significance (4); Likely benign (1). Last evaluated 2025-12-15.

Conditions:
Cardiovascular phenotype. Identifiers: MedGen CN230736.
Alstrom syndrome (ALMS). Identifiers: Orphanet 64, MedGen C0268425, MONDO:0008763, OMIM 203800.

Allele frequency attached by ClinVar (database versions not stated): gnomAD 0.00001; gnomAD exomes 0.00002; TOPMed below 0.00001.
gnomAD v4.1: 25 of 1,614,056 alleles (0.0015%); highest among the groups gnomAD compares: Non-Finnish European, 0.002%; no homozygotes.

Submissions (5):

Labcorp Genetics (formerly Invitae), Labcorp
Classification: Uncertain significance for Alstrom syndrome. Last evaluated: 2025-12-15. Review status: criteria provided, single submitter. Criteria: Invitae Variant Classification Sherloc (09022015). Collection method: clinical testing. Allele origin: germline.
Comment: This sequence change replaces proline, which is neutral and non-polar, with alanine, which is neutral and non-polar, at codon 3134 of the ALMS1 protein (p.Pro3134Ala). This variant is present in population databases (rs45493191, gnomAD 0.007%). This variant has not been reported in the literature in individuals affected with ALMS1-related conditions. ClinVar contains an entry for this variant (Variation ID: 1442064). Experimental studies and prediction algorithms are not available or were not evaluated, and the functional significance of this variant is currently unknown. In summary, the available evidence is currently insufficient to determine the role of this variant in disease. Therefore, it has been classified as a Variant of Uncertain Significance.

Dasa
Classification: Uncertain significance. Last evaluated: 2025-10-14. Review status: criteria provided, single submitter. Criteria: DASA Assertion Criteria. Collection method: clinical testing. Allele origin: germline.
Comment: NM_001378454.1(ALMS1):c.9397C>G (p.Pro3133Ala) is a missense variant that results in the substitution of proline with alanine. This variant is rare in population databases. Computational prediction algorithms are consistent with a benign effect. The currently available literature and clinical evidence are not sufficient to establish a definitive association between this variant and the reported condition. Therefore, this variant is classified as a variant of uncertain significance.

Ambry Genetics
Classification: Likely benign for Cardiovascular phenotype. Last evaluated: 2024-04-21. Review status: criteria provided, single submitter. Criteria: Ambry Variant Classification Scheme 2023. Collection method: clinical testing. Allele origin: germline.

Laboratorio de Genetica e Diagnostico Molecular, Hospital Israelita Albert Einstein
Classification: Uncertain significance for Alstrom syndrome. Last evaluated: 2023-07-26. Review status: criteria provided, single submitter. Criteria: ACMG Guidelines, 2015. Collection method: clinical testing. Allele origin: germline. Affected: yes.
Comment: ACMG classification criteria: PM2 moderate, BP4 supporting

Fulgent Genetics
Classification: Uncertain significance for Alstrom syndrome. Last evaluated: 2021-11-23. Review status: criteria provided, single submitter. Criteria: ACMG Guidelines, 2015. Collection method: clinical testing. Allele origin: unknown.

Literature cited by the submitters: PubMed 17594715 (cited by Ambry Genetics).